The following is an entry in ClinVar:

NM_205836.3(FBXO38):c.869G>A (p.Gly290Asp)

Gene: FBXO38 (F-box protein 38; plus strand). Cytogenetic location: 5q32.
Variant type: single nucleotide variant.
Coding change: c.869G>A on transcript NM_205836.3 (MANE Select); coding-DNA position 869, G replaced by A.
Protein change: p.Gly290Asp; replaces glycine 290 with aspartic acid.
Molecular consequence: missense variant.
Genome position (GRCh38, 1-based): chr5:148,409,124, G>A. VCF-style: chr5-148409124-G-A. GRCh37 (hg19) VCF-style: chr5-147788687-G-A.
Other names: c.869G>A, p.Gly290Asp (NM_001271723.2, NM_030793.5); short protein forms G290D.
Identifiers: ClinVar variation 3018500 (VCV003018500.3), dbSNP rs762106449, ClinGen allele CA3497144.

ClinVar aggregate classification (germline): Uncertain significance (1 of 4 stars; one submission).

Conditions:
Distal hereditary motor neuropathy type 2. Identifiers: Orphanet 139525, MedGen C3711384, MeSH C580044, MONDO:0015352.

Allele frequency attached by ClinVar (database versions not stated): ExAC 0.00001; TOPMed 0.00001; gnomAD exomes 0.00002.
gnomAD v4.1: 27 of 1,599,626 alleles (0.0017%); highest among the groups gnomAD compares: Non-Finnish European, 0.0023%; no homozygotes.

Submission:

Labcorp Genetics (formerly Invitae), Labcorp
Classification: Uncertain significance for Distal hereditary motor neuropathy type 2. Last evaluated: 2023-07-25. Review status: criteria provided, single submitter. Criteria: Invitae Variant Classification Sherloc (09022015). Collection method: clinical testing. Allele origin: germline.
Comment: In summary, the available evidence is currently insufficient to determine the role of this variant in disease. Therefore, it has been classified as a Variant of Uncertain Significance. An algorithm developed to predict the effect of missense changes on protein structure and function (PolyPhen-2) suggests that this variant is likely to be disruptive. This missense change has been observed in at least one individual who was not affected with FBXO38-related conditions (Invitae). This variant has not been reported in the literature in individuals affected with FBXO38-related conditions. This variant is present in population databases (rs762106449, gnomAD 0.0009%). This sequence change replaces glycine, which is neutral and non-polar, with aspartic acid, which is acidic and polar, at codon 290 of the FBXO38 protein (p.Gly290Asp).